The following is an entry in ClinVar:

ClinVar aggregate classification (germline): Uncertain significance. Review status: criteria provided, multiple submitters, no conflicts (2 of 4 stars). 2 submissions from 2 submitters: Uncertain significance (2). Last evaluated 2024-12-09.

Conditions:
Inborn genetic diseases. Identifiers: MedGen C0950123, MeSH D030342.

Allele frequency attached by ClinVar (database versions not stated): 1000 Genomes Project 30x 0.00016; 1000 Genomes Project 0.00020.
gnomAD v4.1: 27 of 1,609,842 alleles (0.0017%); highest among the groups gnomAD compares: Admixed American, 0.013%; no homozygotes.

Submissions (2):

Labcorp Genetics (formerly Invitae), Labcorp
Classification: Uncertain significance. Last evaluated: 2024-12-09. Review status: criteria provided, single submitter. Criteria: Invitae Variant Classification Sherloc (09022015). Collection method: clinical testing. Allele origin: germline.
Comment: This sequence change replaces proline, which is neutral and non-polar, with leucine, which is neutral and non-polar, at codon 1488 of the WDR62 protein (p.Pro1488Leu). The frequency data for this variant in the population databases is considered unreliable, as metrics indicate poor data quality at this position in the gnomAD database. This variant has not been reported in the literature in individuals affected with WDR62-related conditions. ClinVar contains an entry for this variant (Variation ID: 1407330). An algorithm developed to predict the effect of missense changes on protein structure and function outputs the following: PolyPhen-2: "Benign". The leucine amino acid residue is found in multiple mammalian species, which suggests that this missense change does not adversely affect protein function. In summary, the available evidence is currently insufficient to determine the role of this variant in disease. Therefore, it has been classified as a Variant of Uncertain Significance.

Ambry Genetics
Classification: Uncertain significance for Inborn genetic diseases. Last evaluated: 2021-06-11. Review status: criteria provided, single submitter. Criteria: Ambry Variant Classification Scheme 2023. Collection method: clinical testing. Allele origin: germline.

NM_001083961.2(WDR62):c.4463C>T (p.Pro1488Leu)

Gene: WDR62 (WD repeat domain 62; plus strand). Cytogenetic location: 19q13.12.
Variant type: single nucleotide variant.
Coding change: c.4463C>T on transcript NM_001083961.2 (MANE Select); coding-DNA position 4463, C replaced by T.
Protein change: p.Pro1488Leu; replaces proline 1488 with leucine.
Molecular consequence: missense variant.
Genome position (GRCh38, 1-based): chr19:36,104,919, C>T. VCF-style: chr19-36104919-C-T. GRCh37 (hg19) VCF-style: chr19-36595821-C-T.
Other names: c.4448C>T, p.Pro1483Leu (NM_173636.5); c.4463C>T (NM_001083961.1); short protein forms P1483L, P1488L.
Identifiers: ClinVar variation 1407330 (VCV001407330.9), dbSNP rs572570068, ClinGen allele CA9396577.